The following is an entry in ClinVar:

NM_020717.5(SHROOM4):c.2895+6G>A

Gene: SHROOM4 (shroom family member 4; minus strand). Cytogenetic location: Xp11.22.
Variant type: single nucleotide variant.
Coding change: c.2895+6G>A on transcript NM_020717.5 (MANE Select); 6 bases into the intron after coding-DNA position 2895, G replaced by A.
Molecular consequence: intron variant.
Genome position (GRCh38, 1-based): chrX:50,633,172, C>T on the plus strand (G>A on the coding strand, the complement: SHROOM4 is on the minus strand). VCF-style: chrX-50633172-C-T. GRCh37 (hg19) VCF-style: chrX-50376172-C-T.
Identifiers: ClinVar variation 4849317 (VCV004849317.1).

ClinVar aggregate classification (germline): Uncertain significance (1 of 4 stars; one submission).

Conditions:
Intellectual Developmental Disorder, Stocco Dos Santos Type.

Submission:

First Genomix Gene Laboratory, Genetic Diagnostics Department
Classification: Uncertain significance for Intellectual Developmental Disorder, Stocco Dos Santos Type. Last evaluated: 2025-07-25. Review status: criteria provided, single submitter. Criteria: ACMG Guidelines, 2015. Collection method: clinical testing. Allele origin: germline. Inheritance: X-linked recessive inheritance. Affected: yes. Observed: 1 variant allele, 1 hemizygote.
Comment: In the literature, variants in this gene have been identified in a hemizygous state in males patients affected with Intellectual Developmental Disorder, Stocco Dos Santos Type. In all cases, the variants were maternally inherited (PMIDs: 16249884, 25356970, 36344539, and 36964972).

Literature cited by the submitters: PubMed 16249884; PubMed 25356970; PubMed 36344539; PubMed 36964972.